The following is an entry in ClinVar:

NM_000350.3(ABCA4):c.2859C>A (p.Phe953Leu)

Gene: ABCA4 (ATP binding cassette subfamily A member 4; minus strand). Cytogenetic location: 1p22.1.
Variant type: single nucleotide variant.
Coding change: c.2859C>A on transcript NM_000350.3 (MANE Select); coding-DNA position 2859, C replaced by A.
Protein change: p.Phe953Leu; replaces phenylalanine 953 with leucine.
Molecular consequence: missense variant.
Genome position (GRCh38, 1-based): chr1:94,046,978, G>T on the plus strand (C>A on the coding strand, the complement: ABCA4 is on the minus strand). VCF-style: chr1-94046978-G-T. GRCh37 (hg19) VCF-style: chr1-94512534-G-T.
Other names: c.2637C>A, p.Phe879Leu (NM_001425324.1); short protein forms F953L, F879L.
Identifiers: ClinVar variation 2580776 (VCV002580776.1), dbSNP rs1660701933, ClinGen allele CA341275401.

ClinVar aggregate classification (germline): Uncertain significance (1 of 4 stars; one submission).

Submission:

GeneDx
Classification: Uncertain significance. Last evaluated: 2023-03-20. Review status: criteria provided, single submitter. Criteria: GeneDx Variant Classification Process June 2021. Collection method: clinical testing. Allele origin: germline. Affected: yes.
Comment: Not observed at significant frequency in large population cohorts (gnomAD); In silico analysis supports that this missense variant has a deleterious effect on protein structure/function; Has not been previously published as pathogenic or benign to our knowledge